The following is an entry in ClinVar:

ClinVar aggregate classification (germline): Conflicting classifications of pathogenicity. Review status: criteria provided, conflicting classifications (1 of 4 stars). 2 submissions from 1 submitter: Uncertain significance (1); Likely benign (1). Last evaluated 2018-01-12.

Conditions:
Neural tube defect (NTD). Also called: Neural tube defects. Identifiers: Orphanet 3388, Orphanet 823, MedGen C0027794, MONDO:0018075, HP:0045005.
Sacral defect with anterior meningocele. Identifiers: MedGen C1838568, OMIM 600145.

Allele frequency attached by ClinVar (database versions not stated): TOPMed 0.00002; gnomAD 0.00004 and 0.00006; gnomAD exomes 0.00005 and 0.00008; ExAC 0.00007; 1000 Genomes Project 0.00020; 1000 Genomes Project 30x 0.00031.
gnomAD v4.1: 90 of 1,613,936 alleles (0.0056%); highest among the groups gnomAD compares: South Asian, 0.054%; no homozygotes.

Submissions (2):

Illumina Laboratory Services, Illumina
Classification: Likely benign for Sacral defect with anterior meningocele. Last evaluated: 2018-01-12. Review status: criteria provided, single submitter. Criteria: ICSL Variant Classification Criteria 13 December 2019. Collection method: clinical testing. Allele origin: germline.
Comment: This variant was observed in the ICSL laboratory as part of a predisposition screen in an ostensibly healthy population. It had not been previously curated by ICSL or reported in the Human Gene Mutation Database (HGMD: prior to June 1st, 2018), and was therefore a candidate for classification through an automated scoring system. Utilizing variant allele frequency, disease prevalence and penetrance estimates, and inheritance mode, an automated score was calculated to assess if this variant is too frequent to cause the disease. Based on the score and internal cut-off values, a variant classified as likely benign is not then subjected to further curation. The score for this variant resulted in a classification of likely benign for this disease.

Illumina Laboratory Services, Illumina
Classification: Uncertain significance for Neural tube defects, susceptibility to. Last evaluated: 2018-01-12. Review status: criteria provided, single submitter. Criteria: ICSL Variant Classification Criteria 13 December 2019. Collection method: clinical testing. Allele origin: germline.

NM_138959.3(VANGL1):c.51G>A (p.Ser17=)

Gene: VANGL1 (VANGL planar cell polarity protein 1; plus strand). Cytogenetic location: 1p13.1.
Variant type: single nucleotide variant.
Coding change: c.51G>A on transcript NM_138959.3 (MANE Select); coding-DNA position 51, G replaced by A.
Protein change: p.Ser17=; no amino-acid change (serine 17 retained).
Molecular consequence: synonymous variant.
Genome position (GRCh38, 1-based): chr1:115,651,464, G>A. VCF-style: chr1-115651464-G-A. GRCh37 (hg19) VCF-style: chr1-116194085-G-A.
Other names: c.51G>A, p.Ser17= (NM_001172411.2, NM_001172412.2).
Identifiers: ClinVar variation 874500 (VCV000874500.4), dbSNP rs575493003, ClinGen allele CA1023113.
Genomic context (GRCh38, chr1:115,651,464, plus strand): 5'-CTCCATTGCTATGGATACCGAATCCACTTATTCTGGATATTCTTACTATTCAAGTCATTC[G>A]AAAAAATCTCACAGACAAGGGTATGTAAGTTGTTCATTATTACACTTTTCCTTTTGGGGA-3'
Protein context (NP_620409.1, residues 7-27): YSGYSYYSSH[Ser17=]KKSHRQGERT